The following is an entry in ClinVar:

NM_003172.4(SURF1):c.208C>T (p.Pro70Ser)

Gene: SURF1 (SURF1 cytochrome c oxidase assembly factor; minus strand). Cytogenetic location: 9q34.2.
Variant type: single nucleotide variant.
Coding change: c.208C>T on transcript NM_003172.4 (MANE Select); coding-DNA position 208, C replaced by T.
Protein change: p.Pro70Ser; replaces proline 70 with serine.
Molecular consequence: missense variant. On other transcripts: 5 prime UTR variant (1).
Genome position (GRCh38, 1-based): chr9:133,354,856, G>A on the plus strand (C>T on the coding strand, the complement: SURF1 is on the minus strand). VCF-style: chr9-133354856-G-A. GRCh37 (hg19) VCF-style: chr9-136221711-G-A.
Other names: c.-120C>T (NM_001280787.1); short protein forms P70S.
Identifiers: ClinVar variation 2103917 (VCV002103917.5), dbSNP rs2490623342, ClinGen allele CA375694779.
Genomic context (GRCh38, chr9:133,354,856, plus strand): 5'-GTTACGCACACCAGATGCCGGTCTTTACCTGCCATGTCCCCAAGCCAAAGGCAGTCACAG[G>A]GATGAGGAGCAGGACCCACTGAAGAAAGGAGTCATCTTCCGCTTTTGTGGCAGATGCTTC-3'
Protein context (NP_003163.1, residues 60-80): SFLQWVLLLI[Pro70Ser]VTAFGLGTWQ

ClinVar aggregate classification (germline): Uncertain significance. Review status: criteria provided, multiple submitters, no conflicts (2 of 4 stars). 2 submissions from 2 submitters: Uncertain significance (2). Last evaluated 2024-10-22.

Conditions:
Mitochondrial complex IV deficiency, nuclear type 1 (MC4DN1). Also called: Mitochondrial complex IV deficiency; Complex 4 mitochondrial respiratory chain deficiency; Deficiency of mitochondrial respiratory chain complex4; Complex IV deficiency; COX DEFICIENCY. Identifiers: MedGen C5435656, MONDO:0700250, OMIM 220110. Disease mechanism: loss of function.
Leigh syndrome (NULS). Also called: Leigh's syndrome; LEIGH SYNDROME, NUCLEAR; Leigh Disease; Subacute necrotizing encephalopathy; Necrotizing encephalopathy infantile subacute of Leigh; Leigh Syndrome (mtDNA deletion). Identifiers: Orphanet 506, MedGen C2931891, MONDO:0009723, OMIM 256000.

Allele frequency attached by ClinVar (database versions not stated): gnomAD exomes below 0.00001.
gnomAD v4.1: 1 of 1,614,036 alleles (0.000062%); highest among the groups gnomAD compares: Non-Finnish European, 0.000085%; no homozygotes.

Submissions (2):

Labcorp Genetics (formerly Invitae), Labcorp
Classification: Uncertain significance for Leigh syndrome. Last evaluated: 2024-10-22. Review status: criteria provided, single submitter. Criteria: Invitae Variant Classification Sherloc (09022015). Collection method: clinical testing. Allele origin: germline.
Comment: This sequence change replaces proline, which is neutral and non-polar, with serine, which is neutral and polar, at codon 70 of the SURF1 protein (p.Pro70Ser). This variant is not present in population databases (gnomAD no frequency). This variant has not been reported in the literature in individuals affected with SURF1-related conditions. ClinVar contains an entry for this variant (Variation ID: 2103917). Invitae Evidence Modeling of protein sequence and biophysical properties (such as structural, functional, and spatial information, amino acid conservation, physicochemical variation, residue mobility, and thermodynamic stability) indicates that this missense variant is expected to disrupt SURF1 protein function with a positive predictive value of 95%. In summary, the available evidence is currently insufficient to determine the role of this variant in disease. Therefore, it has been classified as a Variant of Uncertain Significance.

3billion
Classification: Uncertain significance for Mitochondrial complex IV deficiency, nuclear type 1. Last evaluated: 2024-06-14. Review status: criteria provided, single submitter. Criteria: ACMG Guidelines, 2015. Collection method: clinical testing. Allele origin: germline. Affected: yes.
Comment: The variant is observed at an extremely low frequency in the gnomAD v4.0.0 dataset (total allele frequency: <0.001%). Predicted Consequence/Location: The majority of the known disease-causing variants of this gene are variants expected to result in premature termination of the protein. In silico tool predictions suggest damaging effect of the variant on gene or gene product [REVEL: 0.84 (>=0.6, sensitivity 0.68 and specificity 0.92)]. Therefore, this variant is classified as VUS according to the recommendation of ACMG/AMP guideline.